The following is an entry in ClinVar:

NM_001291867.2(NHS):c.3687C>T (p.Cys1229=)

Gene: NHS (NHS actin remodeling regulator; plus strand). Cytogenetic location: Xp22.13.
Variant type: single nucleotide variant.
Coding change: c.3687C>T on transcript NM_001291867.2 (MANE Select); coding-DNA position 3687, C replaced by T.
Protein change: p.Cys1229=; no amino-acid change (cysteine 1229 retained).
Molecular consequence: synonymous variant.
Genome position (GRCh38, 1-based): chrX:17,727,793, C>T. VCF-style: chrX-17727793-C-T. GRCh37 (hg19) VCF-style: chrX-17745913-C-T.
Other names: c.3156C>T, p.Cys1052= (NM_001136024.4); c.3093C>T, p.Cys1031= (NM_001291868.2); c.3624C>T, p.Cys1208= (NM_198270.4).
Identifiers: ClinVar variation 1733353 (VCV001733353.12), dbSNP rs111534978, ClinGen allele CA10358842.
Genomic context (GRCh38, chrX:17,727,793, plus strand): 5'-GATGGGACCAGATAAACTACATTTAGAAAAAAACTCTACTTTTGATGTGAAGAATCGCTG[C>T]GATCCAGAAACCATAACATCAGCTGGTAGCAGTCTTCTAGATTCAAATGTCACAAAAGAC-3'
Protein context (NP_001278796.1, residues 1219-1239): KNSTFDVKNR[Cys1229=]DPETITSAGS

ClinVar aggregate classification (germline): Benign/Likely benign. Review status: criteria provided, multiple submitters, no conflicts (2 of 4 stars). 4 submissions from 4 submitters: Benign (1); Likely benign (3). Last evaluated 2026-03-01.

Conditions:
Nance-Horan syndrome (NHS). Identifiers: Orphanet 627, MedGen C0796085, MONDO:0010545, OMIM 302350.
Inborn genetic diseases. Identifiers: MedGen C0950123, MeSH D030342.

Allele frequency attached by ClinVar (database versions not stated): ExAC 0.00003; gnomAD exomes 0.00004; TOPMed 0.00008; gnomAD 0.00010; 1000 Genomes Project 30x 0.00021; 1000 Genomes Project 0.00026; ESP Exome Variant Server 0.00028.
gnomAD v4.1: 63 of 1,209,953 alleles (0.0052%); highest among the groups gnomAD compares: African/African-American, 0.047%; no homozygotes.

Submissions (4):

CeGaT Center for Human Genetics Tuebingen
Classification: Likely benign. Last evaluated: 2026-03-01. Review status: criteria provided, single submitter. Criteria: CeGaT Center For Human Genetics Tuebingen Variant Classification Criteria Version 2. Collection method: clinical testing. Allele origin: germline. Affected: yes. Observed: 1 variant allele.
Comment: NHS: BP4, BP7, BS2

Labcorp Genetics (formerly Invitae), Labcorp
Classification: Benign for Nance-Horan syndrome. Last evaluated: 2025-06-02. Review status: criteria provided, single submitter. Criteria: Invitae Variant Classification Sherloc (09022015). Collection method: clinical testing. Allele origin: germline.

Blueprint Genetics
Classification: Likely benign. Last evaluated: 2021-09-10. Review status: criteria provided, single submitter. Criteria: ACMG Guidelines, 2015. Collection method: clinical testing. Allele origin: germline.

Ambry Genetics
Classification: Likely benign for Inborn genetic diseases. Last evaluated: 2017-10-13. Review status: criteria provided, single submitter. Criteria: Ambry Variant Classification Scheme 2023. Collection method: clinical testing. Allele origin: germline.